The following is an entry in ClinVar:

Conditions:
Long QT syndrome 5 (LQT5). Identifiers: Orphanet 101016, Orphanet 768, MedGen C1867904, MONDO:0013372, OMIM 613695.

Submission:

Roden Lab, Vanderbilt University Medical Center
No classification provided (evidence only). Condition: Long QT syndrome 5. Review status: no classification provided. Collection method: in vitro. Allele origin: not applicable. Functional consequence: Effect on ion channel function.
ClinVar note: "not provided" was previously submitted as the classification for the variant. However, the classification appeared to be based only on an observation of functional data so it was converted to no classification on 2025-07-30.

NM_000219.6(KCNE1):c.322G>C (p.Val108Leu)

Gene: KCNE1 (potassium voltage-gated channel subfamily E regulatory subunit 1; minus strand). Cytogenetic location: 21q22.12.
Variant type: single nucleotide variant.
Coding change: c.322G>C on transcript NM_000219.6 (MANE Select); coding-DNA position 322, G replaced by C.
Protein change: p.Val108Leu; replaces valine 108 with leucine.
Molecular consequence: missense variant.
Genome position (GRCh38, 1-based): chr21:34,449,313, C>G on the plus strand (G>C on the coding strand, the complement: KCNE1 is on the minus strand). VCF-style: chr21-34449313-C-G. GRCh37 (hg19) VCF-style: chr21-35821611-C-G.
Other names: c.322G>C, p.Val108Leu (NM_001127668.4, NM_001127669.4, NM_001127670.4 and 4 more transcripts); short protein forms V108L.
Identifiers: ClinVar variation 3374636 (VCV003374636.2).
Genomic context (GRCh38, chr21:34,449,313, plus strand): 5'-AAGGCTTCGTCTCAGGAAGGTGTGTGTTGGGTTGTTCTATGGCCAGATGGTTTTCAACGA[C>G]ATAGCACGACCTGTAGCTCTCCAGGACCCGGGCCTGGACATAGGCCTTGTCCTTCTCTTG-3'
Protein context (NP_000210.2, residues 98-118): RVLESYRSCY[Val108Leu]VENHLAIEQP